The following is an entry in ClinVar:

ClinVar aggregate classification (germline): Likely benign. Review status: criteria provided, single submitter (1 of 4 stars). 2 submissions from 2 submitters: Likely benign (1). 1 of the submissions does not count toward it. Last evaluated 2025-09-27.

Conditions:
TRPM6-related disorder. Also called: TRPM6-related condition.

Allele frequency attached by ClinVar (database versions not stated): ExAC 0.00001; 1000 Genomes Project 30x 0.00016; 1000 Genomes Project 0.00020.
gnomAD v4.1: 11 of 1,613,666 alleles (0.00068%); highest among the groups gnomAD compares: African/African-American, 0.0067%; no homozygotes.

Submissions (2):

Labcorp Genetics (formerly Invitae), Labcorp
Classification: Likely benign. Last evaluated: 2025-09-27. Review status: criteria provided, single submitter. Criteria: Invitae Variant Classification Sherloc (09022015). Collection method: clinical testing. Allele origin: germline.

PreventionGenetics, part of Exact Sciences
Classification: Likely benign for TRPM6-related condition. Last evaluated: 2019-06-04. Review status: no assertion criteria provided. Collection method: clinical testing. Allele origin: germline. Not counted in ClinVar's aggregate classification.
Comment: This variant is classified as likely benign based on ACMG/AMP sequence variant interpretation guidelines (Richards et al. 2015 PMID: 25741868, with internal and published modifications).

NM_017662.5(TRPM6):c.291G>A (p.Thr97=)

Gene: TRPM6 (transient receptor potential cation channel subfamily M member 6; minus strand). Cytogenetic location: 9q21.13.
Variant type: single nucleotide variant.
Coding change: c.291G>A on transcript NM_017662.5 (MANE Select); coding-DNA position 291, G replaced by A.
Protein change: p.Thr97=; no amino-acid change (threonine 97 retained).
Molecular consequence: synonymous variant.
Genome position (GRCh38, 1-based): chr9:74,842,205, C>T on the plus strand (G>A on the coding strand, the complement: TRPM6 is on the minus strand). VCF-style: chr9-74842205-C-T. GRCh37 (hg19) VCF-style: chr9-77457121-C-T.
Other names: c.291G>A (NM_017662.4); c.276G>A, p.Thr92= (NM_001177310.2, NM_001177311.2).
Identifiers: ClinVar variation 1983527 (VCV001983527.6), dbSNP rs141159434, ClinGen allele CA5085173.